The following is an entry in ClinVar:

ClinVar aggregate classification (germline): Uncertain significance (1 of 4 stars; one submission).

Submission:

Labcorp Genetics (formerly Invitae), Labcorp
Classification: Uncertain significance. Last evaluated: 2025-12-22. Review status: criteria provided, single submitter. Criteria: Invitae Variant Classification Sherloc (09022015). Collection method: clinical testing. Allele origin: germline.
Comment: This sequence change replaces glutamic acid, which is acidic and polar, with valine, which is neutral and non-polar, at codon 928 of the ELP1 protein (p.Glu928Val). This variant is not present in population databases (gnomAD no frequency). This variant has not been reported in the literature in individuals affected with ELP1-related conditions. Invitae Evidence Modeling of protein sequence and biophysical properties (such as structural, functional, and spatial information, amino acid conservation, physicochemical variation, residue mobility, and thermodynamic stability) indicates that this missense variant is expected to disrupt ELP1 protein function with a positive predictive value of 80%. In summary, the available evidence is currently insufficient to determine the role of this variant in disease. Therefore, it has been classified as a Variant of Uncertain Significance.

NM_003640.5(ELP1):c.2783A>T (p.Glu928Val)

Gene: ELP1 (elongator acetyltransferase complex subunit 1; minus strand). Cytogenetic location: 9q31.3.
Variant type: single nucleotide variant.
Coding change: c.2783A>T on transcript NM_003640.5 (MANE Select); coding-DNA position 2783, A replaced by T.
Protein change: p.Glu928Val; replaces glutamic acid 928 with valine.
Molecular consequence: missense variant.
Genome position (GRCh38, 1-based): chr9:108,894,020, T>A on the plus strand (A>T on the coding strand, the complement: ELP1 is on the minus strand). VCF-style: chr9-108894020-T-A. GRCh37 (hg19) VCF-style: chr9-111656300-T-A.
Other names: c.2441A>T, p.Glu814Val (NM_001318360.2); c.1736A>T, p.Glu579Val (NM_001330749.2); short protein forms E814V, E579V, E928V.
Identifiers: ClinVar variation 4737377 (VCV004737377.1).